The following is an entry in ClinVar:

NM_021815.5(SLC5A7):c.313C>T (p.Pro105Ser)

Gene: SLC5A7 (solute carrier family 5 member 7; plus strand). Cytogenetic location: 2q12.3.
Variant type: single nucleotide variant.
Coding change: c.313C>T on transcript NM_021815.5 (MANE Select); coding-DNA position 313, C replaced by T.
Protein change: p.Pro105Ser; replaces proline 105 with serine.
Molecular consequence: missense variant. On other transcripts: 5 prime UTR variant (2).
Genome position (GRCh38, 1-based): chr2:107,992,992, C>T. VCF-style: chr2-107992992-C-T. GRCh37 (hg19) VCF-style: chr2-108609448-C-T.
Other names: c.313C>T, p.Pro105Ser (NM_001305005.3); c.-3C>T (NM_001305006.3); c.-392C>T (NM_001305007.3); short protein forms P105S.
Identifiers: ClinVar variation 265762 (VCV000265762.10), dbSNP rs886039766, ClinGen allele CA10588814.

ClinVar aggregate classification (germline): Uncertain significance. Review status: criteria provided, single submitter (1 of 4 stars). 3 submissions from 3 submitters: Uncertain significance (1). 2 of the submissions do not count toward it. Last evaluated 2019-04-03.

Conditions:
Congenital myasthenic syndrome 20. Also called: Myasthenic syndrome, congenital, 20, presynaptic. Identifiers: MedGen C4310694, MONDO:0014939, OMIM 617143.
SLC5A7-related disorder. Also called: SLC5A7-related condition.
Neuronopathy, distal hereditary motor, type 7A. Also called: Neuronopathy, distal hereditary motor, type viia; NEURONOPATHY, DISTAL HEREDITARY MOTOR, HARDING TYPE VIIA; NEUROPATHY, DISTAL HEREDITARY MOTOR, HARDING TYPE VIIA; Neuronopathy, distal hereditary motor, autosomal dominant 7; SPINAL MUSCULAR ATROPHY, DISTAL, WITH VOCAL CORD PARALYSIS; HARPER-YOUNG MYOPATHY. Identifiers: Orphanet 139589, MedGen C1834703, MONDO:0008024, OMIM 158580.

Allele frequency attached by ClinVar (database versions not stated): gnomAD exomes below 0.00001.
gnomAD v4.1: 2 of 1,614,158 alleles (0.00012%); highest among the groups gnomAD compares: Non-Finnish European, 0.00017%; no homozygotes.

Submissions (3):

Labcorp Genetics (formerly Invitae), Labcorp
Classification: Uncertain significance for Neuronopathy, distal hereditary motor, type 7A; Congenital myasthenic syndrome 20. Last evaluated: 2019-04-03. Review status: criteria provided, single submitter. Criteria: Invitae Variant Classification Sherloc (09022015). Collection method: clinical testing. Allele origin: germline.
Comment: In summary, the available evidence is currently insufficient to determine the role of this variant in disease. Therefore, it has been classified as a Variant of Uncertain Significance. This sequence change replaces proline with serine at codon 105 of the SLC5A7 protein (p.Pro105Ser). The proline residue is moderately conserved and there is a moderate physicochemical difference between proline and serine. This variant is not present in population databases (ExAC no frequency). This variant has been reported along with a second variant in an individual affected with congenital myasthenic syndrome with episodic apnea (PMID: 27569547). ClinVar contains an entry for this variant (Variation ID: 265762). Experimental studies have shown that this missense change impairs choline uptake in vitro (PMID: 27569547).

PreventionGenetics, part of Exact Sciences
Classification: Uncertain significance for SLC5A7-related condition. Last evaluated: 2023-12-22. Review status: no assertion criteria provided. Collection method: clinical testing. Allele origin: germline. Not counted in ClinVar's aggregate classification.
Comment: The SLC5A7 c.313C>T variant is predicted to result in the amino acid substitution p.Pro105Ser. This variant was reported with another missense variant in an individual with autosomal recessive congenital myasthenic syndrome with episodic apnea; and in vitro functional expression studies in HEK293 cells showed that these missense variants resulted in normal protein expressions, but had significantly decreased choline uptake compared to controls (Bauché et al. 2016. PubMed ID: 27569547). This variant has not been reported in a large population database, indicating this variant is rare. Although we suspect this variant may be pathogenic, at this time, the clinical significance of this variant is uncertain due to the absence of conclusive functional and genetic evidence.

OMIM
Classification: Pathogenic for MYASTHENIC SYNDROME, CONGENITAL, 20, PRESYNAPTIC. Last evaluated: 2016-10-07. Review status: no assertion criteria provided. Collection method: literature only. Allele origin: germline. Not counted in ClinVar's aggregate classification.

Literature cited by the submitters: PubMed 27569547 (cited by Labcorp Genetics (formerly Invitae), Labcorp and OMIM).